The following is an entry in ClinVar:

NM_004174.4(SLC9A3):c.1748T>C (p.Val583Ala)

Genes: SLC9A3 (solute carrier family 9 member A3), SLC9A3-AS1 (SLC9A3 antisense RNA 1; plus strand). Cytogenetic location: 5p15.33.
Variant type: single nucleotide variant.
Coding change: c.1748T>C on transcript NM_004174.4 (MANE Select); coding-DNA position 1748, T replaced by C.
Protein change: p.Val583Ala; replaces valine 583 with alanine.
Molecular consequence: missense variant.
Genome position (GRCh38, 1-based): chr5:477,344, A>G on the plus strand (T>C on the coding strand, the complement: SLC9A3 is on the minus strand). VCF-style: chr5-477344-A-G. GRCh37 (hg19) VCF-style: chr5-477459-A-G.
Other names: c.1721T>C, p.Val574Ala (NM_001284351.3); short protein forms V574A, V583A.
Identifiers: ClinVar variation 1520821 (VCV001520821.1), dbSNP rs1259255065, ClinGen allele CA359026106.
Genomic context (GRCh38, chr5:477,344, plus strand): 5'-CGAGGCTGGGCTCTTCCCCAGGGAAGCTGCATGACCATGGCCACATACAGGAGGTAGGAG[A>G]CAGAGGCCTCCACGGTGGACGATCGTGGCGTGAAGTCCACGTTGACCACGTTGTCGGTGC-3'
Protein context (NP_004165.2, residues 573-593): TPRSSTVEAS[Val583Ala]SYLLRENVSA

ClinVar aggregate classification (germline): Uncertain significance (1 of 4 stars; one submission).

Submission:

Labcorp Genetics (formerly Invitae), Labcorp
Classification: Uncertain significance. Last evaluated: 2021-09-23. Review status: criteria provided, single submitter. Criteria: Invitae Variant Classification Sherloc (09022015). Collection method: clinical testing. Allele origin: germline.
Comment: This sequence change replaces valine with alanine at codon 583 of the SLC9A3 protein (p.Val583Ala). The valine residue is moderately conserved and there is a small physicochemical difference between valine and alanine. This variant is not present in population databases (ExAC no frequency). This variant has not been reported in the literature in individuals affected with SLC9A3-related conditions. Algorithms developed to predict the effect of missense changes on protein structure and function are either unavailable or do not agree on the potential impact of this missense change (SIFT: "Not Available"; PolyPhen-2: "Possibly Damaging"; Align-GVGD: "Not Available"). In summary, the available evidence is currently insufficient to determine the role of this variant in disease. Therefore, it has been classified as a Variant of Uncertain Significance.